The following is an entry in ClinVar:

ClinVar aggregate classification (germline): Uncertain significance (1 of 4 stars; one submission).

Conditions:
Neurofibromatosis, type 1 (NF1). Also called: NEUROFIBROMATOSIS, TYPE I, SOMATIC; VON RECKLINGHAUSEN DISEASE; Peripheral type neurofibromatosis; Neurofibromatosis, type I. Identifiers: Orphanet 636, MedGen C0027831, MONDO:0018975, OMIM 162200. Disease mechanism: loss of function.

Submission:

Labcorp Genetics (formerly Invitae), Labcorp
Classification: Uncertain significance for Neurofibromatosis, type 1. Last evaluated: 2021-10-31. Review status: criteria provided, single submitter. Criteria: Invitae Variant Classification Sherloc (09022015). Collection method: clinical testing. Allele origin: germline.
Comment: This variant is not present in population databases (gnomAD no frequency). This variant has not been reported in the literature in individuals affected with NF1-related conditions. Studies have shown that this variant is associated with altered splicing, but the impact on the resulting protein product is unknown (Invitae). In summary, the available evidence is currently insufficient to determine the role of this variant in disease. Therefore, it has been classified as a Variant of Uncertain Significance. This sequence change affects a donor splice site in intron 49 of the NF1 gene. It is expected to disrupt RNA splicing. Variants that disrupt the donor or acceptor splice site typically lead to a loss of protein function (PMID: 16199547), and loss-of-function variants in NF1 are known to be pathogenic (PMID: 10712197, 23913538).

Literature cited by the submitters: PubMed 16199547; PubMed 10712197; PubMed 23913538.

NM_001042492.3(NF1):c.7457+1G>C

Gene: NF1 (neurofibromin 1; plus strand). Cytogenetic location: 17q11.2.
Variant type: single nucleotide variant.
Coding change: c.7457+1G>C on transcript NM_001042492.3 (MANE Select); the canonical splice donor site of the intron after coding-DNA position 7457, G replaced by C.
Molecular consequence: splice donor variant.
Genome position (GRCh38, 1-based): chr17:31,350,319, G>C. VCF-style: chr17-31350319-G-C. GRCh37 (hg19) VCF-style: chr17-29677337-G-C.
Other names: c.7394+1G>C (NM_000267.4).
Identifiers: ClinVar variation 1464874 (VCV001464874.6), dbSNP rs2151574698, ClinGen allele CA399017232.